The following is an entry in ClinVar:

ClinVar aggregate classification (germline): Benign (1 of 4 stars; one submission).

Conditions:
Leigh syndrome (NULS). Also called: Leigh's necrotizing encephalopathy; Leigh's disease; Leigh Syndrome (mtDNA deletion); Leigh Disease; Subacute necrotizing encephalopathy; Necrotizing encephalopathy infantile subacute of Leigh. Identifiers: Orphanet 506, MedGen C2931891, MONDO:0009723, OMIM 256000.

Submission:

Wong Mito Lab, Molecular and Human Genetics, Baylor College of Medicine
Classification: Benign for Leigh syndrome. Last evaluated: 2019-10-17. Review status: criteria provided, single submitter. Criteria: Modified ACMG Guidelines (Unpublished). Collection method: clinical testing. Allele origin: germline.
Comment: The NC_012920.1:m.4615A>G (YP_003024027.1:p.Asn49Ser) variant in MTND2 gene is interpretated to be a Benign variant based on the modified ACMG guidelines (unpublished). This variant meets the following evidence codes: BS1, BS2

NC_012920.1(MT-ND2):m.4615A>G

Gene: MT-ND2 (mitochondrially encoded NADH dehydrogenase 2; plus strand).
Variant type: single nucleotide variant.
Genome position: chrM-4615-A-G.
Identifiers: ClinVar variation 692468 (VCV000692468.1), dbSNP rs386828946, ClinGen allele CA414774968.